The following is an entry in ClinVar:

NM_000369.5(TSHR):c.*1695T>C

Genes: TSHR (thyroid stimulating hormone receptor; plus strand), TSHR-AS1 (TSHR antisense RNA 1; minus strand). Cytogenetic location: 14q31.1.
Variant type: single nucleotide variant.
Coding change: c.*1695T>C on transcript NM_000369.5 (MANE Select); 1695 bases downstream of the stop codon, T replaced by C.
Molecular consequence: 3 prime UTR variant.
Genome position (GRCh38, 1-based): chr14:81,146,048, T>C. VCF-style: chr14-81146048-T-C. GRCh37 (hg19) VCF-style: chr14-81612392-T-C.
Identifiers: ClinVar variation 314722 (VCV000314722.5), dbSNP rs112187344, ClinGen allele CA10645166.

ClinVar aggregate classification (germline): Conflicting classifications of pathogenicity. Review status: criteria provided, conflicting classifications (1 of 4 stars). 2 submissions from 1 submitter: Uncertain significance (1); Benign (1). Last evaluated 2018-01-12.

Conditions:
Hypothyroidism due to TSH receptor mutations. Also called: HYPOTHYROIDISM DUE TO UNRESPONSIVENESS TO THYROTROPIN; HYPOTHYROIDISM, CONGENITAL, DUE TO TSH RESISTANCE; HYPOTHYROIDISM, NONAUTOIMMUNE; THYROID-STIMULATING HORMONE, RESISTANCE TO; TSH RESISTANCE; Hypothyroidism, congenital, nongoitrous, 1. Identifiers: Orphanet 90673, MedGen C3493776, MONDO:0010142, OMIM 275200.
Familial hyperthyroidism due to mutations in TSH receptor. Also called: HYPERTHYROIDISM, CONGENITAL NONAUTOIMMUNE; HYPERTHYROIDISM, NONAUTOIMMUNE, AUTOSOMAL DOMINANT; TOXIC THYROID HYPERPLASIA, AUTOSOMAL DOMINANT. Identifiers: Orphanet 424, MedGen C1836706, MONDO:0012203, OMIM 609152.

Allele frequency attached by ClinVar (database versions not stated): 1000 Genomes Project 0.00080; 1000 Genomes Project 30x 0.00141; gnomAD 0.00244 and 0.00326; gnomAD exomes 0.00264; TOPMed 0.00328.
gnomAD v4.1: 686 of 231,216 alleles (0.3%); highest among the groups gnomAD compares: Non-Finnish European, 0.42%; 10 homozygotes.

Submissions (2):

Illumina Laboratory Services, Illumina
Classification: Uncertain significance for Hypothyroidism due to TSH receptor mutations. Last evaluated: 2018-01-12. Review status: criteria provided, single submitter. Criteria: ICSL Variant Classification Criteria 13 December 2019. Collection method: clinical testing. Allele origin: germline.

Illumina Laboratory Services, Illumina
Classification: Benign for Familial hyperthyroidism due to mutations in TSH receptor. Last evaluated: 2018-01-12. Review status: criteria provided, single submitter. Criteria: ICSL Variant Classification Criteria 13 December 2019. Collection method: clinical testing. Allele origin: germline.
Comment: This variant was observed in the ICSL laboratory as part of a predisposition screen in an ostensibly healthy population. It had not been previously curated by ICSL or reported in the Human Gene Mutation Database (HGMD: prior to June 1st, 2018), and was therefore a candidate for classification through an automated scoring system. Utilizing variant allele frequency, disease prevalence and penetrance estimates, and inheritance mode, an automated score was calculated to assess if this variant is too frequent to cause the disease. Based on the score and internal cut-off values, a variant classified as benign is not then subjected to further curation. The score for this variant resulted in a classification of benign for this disease.